The following is an entry in ClinVar:

ClinVar aggregate classification (germline): Uncertain significance. Review status: criteria provided, multiple submitters, no conflicts (2 of 4 stars). 3 submissions from 3 submitters: Uncertain significance (3). Last evaluated 2025-03-19.

Conditions:
HYOU1-related disorder. Also called: HYOU1-related condition.

Allele frequency attached by ClinVar (database versions not stated): gnomAD exomes 0.00001.
gnomAD v4.1: 17 of 1,614,148 alleles (0.0011%); highest among the groups gnomAD compares: Non-Finnish European, 0.0014%; no homozygotes.

Submissions (3):

Labcorp Genetics (formerly Invitae), Labcorp
Classification: Uncertain significance. Last evaluated: 2025-03-19. Review status: criteria provided, single submitter. Criteria: Invitae Variant Classification Sherloc (09022015). Collection method: clinical testing. Allele origin: germline.
Comment: This sequence change replaces tyrosine, which is neutral and polar, with cysteine, which is neutral and slightly polar, at codon 213 of the HYOU1 protein (p.Tyr213Cys). This variant is present in population databases (rs782810863, gnomAD 0.007%). This variant has not been reported in the literature in individuals affected with HYOU1-related conditions. ClinVar contains an entry for this variant (Variation ID: 1485039). An algorithm developed to predict the effect of missense changes on protein structure and function (PolyPhen-2) suggests that this variant is likely to be disruptive. In summary, the available evidence is currently insufficient to determine the role of this variant in disease. Therefore, it has been classified as a Variant of Uncertain Significance.

Ambry Genetics
Classification: Uncertain significance. Last evaluated: 2023-04-25. Review status: criteria provided, single submitter. Criteria: Ambry Variant Classification Scheme 2023. Collection method: clinical testing. Allele origin: germline.

PreventionGenetics, part of Exact Sciences
Classification: Uncertain significance for HYOU1-related condition. Last evaluated: 2022-10-11. Review status: criteria provided, single submitter. Criteria: ACMG Guidelines, 2015. Collection method: clinical testing. Allele origin: germline.
Comment: The HYOU1 c.638A>G variant is predicted to result in the amino acid substitution p.Tyr213Cys. To our knowledge, this variant has not been reported in the literature. This variant is reported in 0.0062% of alleles in individuals of African descent in gnomAD. At this time, the clinical significance of this variant is uncertain due to the absence of conclusive functional and genetic evidence.

NM_006389.5(HYOU1):c.638A>G (p.Tyr213Cys)

Gene: HYOU1 (hypoxia up-regulated 1; minus strand). Cytogenetic location: 11q23.3.
Variant type: single nucleotide variant.
Coding change: c.638A>G on transcript NM_006389.5 (MANE Select); coding-DNA position 638, A replaced by G.
Protein change: p.Tyr213Cys; replaces tyrosine 213 with cysteine.
Molecular consequence: missense variant.
Genome position (GRCh38, 1-based): chr11:119,054,534, T>C on the plus strand (A>G on the coding strand, the complement: HYOU1 is on the minus strand). VCF-style: chr11-119054534-T-C. GRCh37 (hg19) VCF-style: chr11-118925246-T-C.
Other names: c.638A>G (NM_006389.4, NM_006389.3); c.638A>G, p.Tyr213Cys (NM_001130991.3); short protein forms Y213C.
Identifiers: ClinVar variation 1485039 (VCV001485039.8), dbSNP rs782810863, ClinGen allele CA229648010.
Genomic context (GRCh38, chr11:119,054,534, plus strand): 5'-TCAAGGCTCCCCTGGCTCACCTGGGCAGTGGTGTTAATATCTTTCCGGCGGAAGACACCA[T>C]AGCTGAGGGCAGTGGCGGTGTTGTCATTGATGAGCTGCAGCACTTTGAGGCCAGCCATAC-3'
Protein context (NP_006380.1, residues 203-223): INDNTATALS[Tyr213Cys]GVFRRKDINT